The following is an entry in ClinVar:

NM_001371928.1(AHDC1):c.3989C>T (p.Ser1330Leu)

Gene: AHDC1 (AT-hook DNA binding motif containing 1; minus strand). Cytogenetic location: 1p36.11.
Variant type: single nucleotide variant.
Coding change: c.3989C>T on transcript NM_001371928.1 (MANE Select); coding-DNA position 3989, C replaced by T.
Protein change: p.Ser1330Leu; replaces serine 1330 with leucine.
Molecular consequence: missense variant.
Genome position (GRCh38, 1-based): chr1:27,548,127, G>A on the plus strand (C>T on the coding strand, the complement: AHDC1 is on the minus strand). VCF-style: chr1-27548127-G-A. GRCh37 (hg19) VCF-style: chr1-27874638-G-A.
Other names: c.3989C>T, p.Ser1330Leu (NM_001029882.3); short protein forms S1330L.
Identifiers: ClinVar variation 3619384 (VCV003619384.2).
Genomic context (GRCh38, chr1:27,548,127, plus strand): 5'-TTCATGGAGTAGGGTCCTATGAAGTCACAGGGGTCTCGCTCTCCCACGCCGAAGGCCCTC[G>A]ACTGTGAGGGCAGTGGTGACATGCTGCTGTCCCCGCTATAGTAGTCCAGGCCGAGGTCAG-3'
Protein context (NP_001358857.1, residues 1320-1340): DSSMSPLPSQ[Ser1330Leu]RAFGVGERDP

ClinVar aggregate classification (germline): Uncertain significance (1 of 4 stars; one submission).

gnomAD v4.1: 21 of 1,613,894 alleles (0.0013%); highest among the groups gnomAD compares: Non-Finnish European, 0.0016%; no homozygotes.

Submission:

Labcorp Genetics (formerly Invitae), Labcorp
Classification: Uncertain significance. Last evaluated: 2024-10-08. Review status: criteria provided, single submitter. Criteria: Invitae Variant Classification Sherloc (09022015). Collection method: clinical testing. Allele origin: germline.
Comment: This sequence change replaces serine, which is neutral and polar, with leucine, which is neutral and non-polar, at codon 1330 of the AHDC1 protein (p.Ser1330Leu). This variant is not present in population databases (gnomAD no frequency). This variant has not been reported in the literature in individuals affected with AHDC1-related conditions. An algorithm developed to predict the effect of missense changes on protein structure and function (PolyPhen-2) suggests that this variant is likely to be disruptive. In summary, the available evidence is currently insufficient to determine the role of this variant in disease. Therefore, it has been classified as a Variant of Uncertain Significance.